The following is an entry in ClinVar:

ClinVar aggregate classification (germline): Conflicting classifications of pathogenicity. Review status: criteria provided, conflicting classifications (1 of 4 stars). 2 submissions from 2 submitters: Uncertain significance (1); Benign (1). Last evaluated 2024-11-12.

Allele frequency attached by ClinVar (database versions not stated): gnomAD exomes 0.00012; ExAC 0.00013; gnomAD 0.00037 and 0.00038; ESP Exome Variant Server 0.00054; TOPMed 0.00054; 1000 Genomes Project 0.00060; 1000 Genomes Project 30x 0.00078.
gnomAD v4.1: 116 of 1,612,884 alleles (0.0072%); highest among the groups gnomAD compares: African/African-American, 0.15%; no homozygotes.

Submissions (2):

Labcorp Genetics (formerly Invitae), Labcorp
Classification: Uncertain significance. Last evaluated: 2024-11-12. Review status: criteria provided, single submitter. Criteria: Invitae Variant Classification Sherloc (09022015). Collection method: clinical testing. Allele origin: germline.
Comment: This sequence change replaces asparagine, which is neutral and polar, with serine, which is neutral and polar, at codon 50 of the ATF6 protein (p.Asn50Ser). This variant is present in population databases (rs56394151, gnomAD 0.2%). This variant has not been reported in the literature in individuals affected with ATF6-related conditions. ClinVar contains an entry for this variant (Variation ID: 939217). Invitae Evidence Modeling of protein sequence and biophysical properties (such as structural, functional, and spatial information, amino acid conservation, physicochemical variation, residue mobility, and thermodynamic stability) indicates that this missense variant is not expected to disrupt ATF6 protein function with a negative predictive value of 80%. In summary, the available evidence is currently insufficient to determine the role of this variant in disease. Therefore, it has been classified as a Variant of Uncertain Significance.

Blueprint Genetics
Classification: Benign. Last evaluated: 2022-11-18. Review status: criteria provided, single submitter. Criteria: ACMG Guidelines, 2015. Collection method: clinical testing. Allele origin: germline.

NM_007348.4(ATF6):c.149A>G (p.Asn50Ser)

Gene: ATF6 (activating transcription factor 6; plus strand). Cytogenetic location: 1q23.3.
Variant type: single nucleotide variant.
Coding change: c.149A>G on transcript NM_007348.4 (MANE Select); coding-DNA position 149, A replaced by G.
Protein change: p.Asn50Ser; replaces asparagine 50 with serine.
Molecular consequence: missense variant.
Genome position (GRCh38, 1-based): chr1:161,778,310, A>G. VCF-style: chr1-161778310-A-G. GRCh37 (hg19) VCF-style: chr1-161748100-A-G.
Other names: short protein forms N50S.
Identifiers: ClinVar variation 939217 (VCV000939217.6), dbSNP rs56394151, ClinGen allele CA1214102.